The following is an entry in ClinVar:

ClinVar aggregate classification (germline): Likely pathogenic (1 of 4 stars; one submission).

Conditions:
Usher syndrome type 2A. Also called: RETINAL DISEASE IN USHER SYNDROME TYPE IIA, MODIFIER OF; USHER SYNDROME, TYPE IIA. Identifiers: Orphanet 231178, Orphanet 886, MedGen C1848634, MONDO:0010169, OMIM 276901.

Submission:

Natera, Inc.
Classification: Likely pathogenic for Usher syndrome type 2A. Last evaluated: 2024-08-12. Review status: criteria provided, single submitter. Criteria: Natera Variant Classification Schema (03/2026). Collection method: clinical testing. Allele origin: germline.
Comment: The c.14117_14118delCA variant in USH2A is a frameshift variant predicted to shift the reading frame beginning at codon 4706 and leads to a stop codon 3 codons downstream. This variant is expected to result in nonsense mediated decay, truncation, or a dysfunctional protein product. This variant is rare in the general population with a frequency below the threshold expected for the associated phenotype(s). Given the available evidence, this variant is classified as Likely Pathogenic.

NM_206933.4(USH2A):c.14117_14118del (p.Thr4706fs)

Gene: USH2A (usherin; minus strand). Cytogenetic location: 1q41.
Variant type: Microsatellite.
Coding change: c.14117_14118del on transcript NM_206933.4 (MANE Select); coding-DNA positions 14117 to 14118, 2 bases deleted (CA; older notation c.14117_14118delCA).
Protein change: p.Thr4706fs; shifts the reading frame from threonine 4706.
Molecular consequence: frameshift variant.
Genome position (GRCh38, 1-based): chr1:215,670,987-215,670,988, TG deleted on the plus strand (CA on the coding strand, the reverse complement: USH2A is on the minus strand); deleting any 2 consecutive bases within chr1:215,670,987-215,670,990 gives the same sequence; the c. name uses the placement nearest the transcript's 3' end. VCF-style (leftmost placement, unchanged base first): chr1-215670986-CTG-C. GRCh37 (hg19) VCF-style: chr1-215844328-CTG-C.
Other names: short protein forms T4706fs.
Identifiers: ClinVar variation 4817099 (VCV004817099.1).